The following is an entry in ClinVar:

NM_001035.3(RYR2):c.10360C>T (p.Arg3454Cys)

Gene: RYR2 (ryanodine receptor 2; plus strand). Cytogenetic location: 1q43.
Variant type: single nucleotide variant.
Coding change: c.10360C>T on transcript NM_001035.3 (MANE Select); coding-DNA position 10360, C replaced by T.
Protein change: p.Arg3454Cys; replaces arginine 3454 with cysteine.
Molecular consequence: missense variant.
Genome position (GRCh38, 1-based): chr1:237,717,234, C>T. VCF-style: chr1-237717234-C-T. GRCh37 (hg19) VCF-style: chr1-237880534-C-T.
Other names: short protein forms R3454C.
Identifiers: ClinVar variation 847316 (VCV000847316.18), dbSNP rs773252606, ClinGen allele CA084302.

ClinVar aggregate classification (germline): Uncertain significance. Review status: criteria provided, multiple submitters, no conflicts (2 of 4 stars). 5 submissions from 5 submitters: Uncertain significance (5). Last evaluated 2025-12-21.

Conditions:
Arrhythmogenic right ventricular dysplasia 2. Identifiers: MedGen C1832931.
Ventricular arrhythmias due to cardiac ryanodine receptor calcium release deficiency syndrome. Also called: Autosomal dominant cardiac arrhythmia (Kuhn). Identifiers: MedGen C5542154, MONDO:0020745, OMIM 115000.
Catecholaminergic polymorphic ventricular tachycardia 1. Also called: VENTRICULAR TACHYCARDIA, CATECHOLAMINERGIC POLYMORPHIC, 1, WITH OR WITHOUT ATRIAL DYSFUNCTION AND/OR DILATED CARDIOMYOPATHY; VENTRICULAR TACHYCARDIA, STRESS-INDUCED POLYMORPHIC 1; RYR2-Related Catecholaminergic Polymorphic Ventricular Tachycardia. Identifiers: Orphanet 3286, MedGen C1631597, MONDO:0011484, OMIM 604772.
Cardiovascular phenotype. Identifiers: MedGen CN230736.
Cardiomyopathy (CMYO). Also called: Cardiomyopathies. Identifiers: Orphanet 167848, MedGen C0878544, MONDO:0004994, HP:0001638. Inheritance: Various modes of inheritance.

Allele frequency attached by ClinVar (database versions not stated): ExAC 0.00001; gnomAD 0.00002 and 0.00003; TOPMed 0.00002.
gnomAD v4.1: 17 of 1,613,494 alleles (0.0011%); highest among the groups gnomAD compares: South Asian, 0.0066%; no homozygotes.

Submissions (5):

Labcorp Genetics (formerly Invitae), Labcorp
Classification: Uncertain significance for Catecholaminergic polymorphic ventricular tachycardia 1. Last evaluated: 2025-12-21. Review status: criteria provided, single submitter. Criteria: Invitae Variant Classification Sherloc (09022015). Collection method: clinical testing. Allele origin: germline.
Comment: This sequence change replaces arginine, which is basic and polar, with cysteine, which is neutral and slightly polar, at codon 3454 of the RYR2 protein (p.Arg3454Cys). This variant is present in population databases (rs773252606, gnomAD 0.004%). This variant has not been reported in the literature in individuals affected with RYR2-related conditions. ClinVar contains an entry for this variant (Variation ID: 847316). Invitae Evidence Modeling of protein sequence and biophysical properties (such as structural, functional, and spatial information, amino acid conservation, physicochemical variation, residue mobility, and thermodynamic stability) has been performed for this missense variant. However, the output from this modeling did not meet the statistical confidence thresholds required to predict the impact of this variant on RYR2 protein function. In summary, the available evidence is currently insufficient to determine the role of this variant in disease. Therefore, it has been classified as a Variant of Uncertain Significance.

GeneDx
Classification: Uncertain significance. Last evaluated: 2023-10-16. Review status: criteria provided, single submitter. Criteria: GeneDx Variant Classification Process June 2021. Collection method: clinical testing. Allele origin: germline. Affected: yes.
Comment: Not observed at significant frequency in large population cohorts (gnomAD); In silico analysis supports that this missense variant has a deleterious effect on protein structure/function; Has not been previously published as pathogenic or benign to our knowledge; Not located in one of the three hot-spot regions of the RYR2 gene, where the majority of pathogenic missense variants occur (Medeiros-Domingo et al., 2009); This variant is associated with the following publications: (PMID: 19926015)

Ambry Genetics
Classification: Uncertain significance for Cardiovascular phenotype. Last evaluated: 2021-12-21. Review status: criteria provided, single submitter. Criteria: Ambry Variant Classification Scheme 2023. Collection method: clinical testing. Allele origin: germline.
Comment: The p.R3454C variant (also known as c.10360C>T), located in coding exon 72 of the RYR2 gene, results from a C to T substitution at nucleotide position 10360. The arginine at codon 3454 is replaced by cysteine, an amino acid with highly dissimilar properties. This amino acid position is well conserved in available vertebrate species. In addition, this alteration is predicted to be deleterious by in silico analysis. Since supporting evidence is limited at this time, the clinical significance of this alteration remains unclear.

Color Diagnostics, LLC DBA Color Health
Classification: Uncertain significance for Cardiomyopathy. Last evaluated: 2021-10-07. Review status: criteria provided, single submitter. Criteria: ACMG Guidelines, 2015. Collection method: clinical testing. Allele origin: germline.
Comment: This missense variant replaces arginine with cysteine at codon 3454 of the RYR2 protein. Computational prediction is inconclusive regarding the impact of this variant on protein structure and function (internally defined REVEL score threshold 0.5 < inconclusive < 0.7, PMID: 27666373). To our knowledge, functional studies have not been reported for this variant. This variant has not been reported in individuals affected with cardiovascular disorders in the literature. This variant has been identified in 3/248700 chromosomes in the general population by the Genome Aggregation Database (gnomAD). The available evidence is insufficient to determine the role of this variant in disease conclusively. Therefore, this variant is classified as a Variant of Uncertain Significance.

Fulgent Genetics
Classification: Uncertain significance for Ventricular arrhythmias due to cardiac ryanodine receptor calcium release deficiency syndrome; Catecholaminergic polymorphic ventricular tachycardia 1. Last evaluated: 2021-08-12. Review status: criteria provided, single submitter. Criteria: ACMG Guidelines, 2015. Collection method: clinical testing. Allele origin: unknown.